The following is an entry in ClinVar:

NM_001283009.2(RTEL1):c.1387A>G (p.Ser463Gly)

Genes: RTEL1 (regulator of telomere elongation helicase 1; plus strand), RTEL1-TNFRSF6B (RTEL1-TNFRSF6B readthrough (NMD candidate); plus strand). Cytogenetic location: 20q13.33.
Variant type: single nucleotide variant.
Coding change: c.1387A>G on transcript NM_001283009.2 (MANE Select); coding-DNA position 1387, A replaced by G.
Protein change: p.Ser463Gly; replaces serine 463 with glycine.
Molecular consequence: missense variant. On other transcripts: non-coding transcript variant (1).
Genome position (GRCh38, 1-based): chr20:63,687,676, A>G. VCF-style: chr20-63687676-A-G. GRCh37 (hg19) VCF-style: chr20-62319029-A-G.
Other names: c.718A>G, p.Ser240Gly (NM_001283010.1); c.1387A>G, p.Ser463Gly (NM_016434.4); c.1459A>G, p.Ser487Gly (NM_032957.5); short protein forms S240G, S463G, S487G.
Identifiers: ClinVar variation 4157609 (VCV004157609.1).

ClinVar aggregate classification (germline): Uncertain significance (1 of 4 stars; one submission).

Conditions:
Inborn genetic diseases. Identifiers: MedGen C0950123, MeSH D030342.

gnomAD v4.1: 1 of 1,609,348 alleles (0.000062%); highest among the groups gnomAD compares: Non-Finnish European, 0.000085%; no homozygotes.

Submission:

Ambry Genetics
Classification: Uncertain significance for Inborn genetic diseases. Last evaluated: 2025-07-18. Review status: criteria provided, single submitter. Criteria: Ambry Variant Classification Scheme 2023. Collection method: clinical testing. Allele origin: germline.
Comment: The p.S463G variant (also known as c.1387A>G), located in coding exon 16 of the RTEL1 gene, results from an A to G substitution at nucleotide position 1387. The serine at codon 463 is replaced by glycine, an amino acid with similar properties. This amino acid position is conserved. In addition, the in silico prediction for this alteration is inconclusive. Based on the available evidence, the clinical significance of this variant remains unclear.